The following is an entry in ClinVar:

ClinVar aggregate classification (germline): Pathogenic (1 of 4 stars; one submission).

Submission:

Labcorp Genetics (formerly Invitae), Labcorp
Classification: Pathogenic. Last evaluated: 2023-04-09. Review status: criteria provided, single submitter. Criteria: Invitae Variant Classification Sherloc (09022015). Collection method: clinical testing. Allele origin: germline.
Comment: This sequence change creates a premature translational stop signal (p.Gly1179*) in the ABCA12 gene. It is expected to result in an absent or disrupted protein product. Loss-of-function variants in ABCA12 are known to be pathogenic (PMID: 20672373). This variant is not present in population databases (gnomAD no frequency). This premature translational stop signal has been observed in individual(s) with congenital autosomal recessive ichthyosis (PMID: 31168818). For these reasons, this variant has been classified as Pathogenic.

Literature cited by the submitters: PubMed 20672373; PubMed 31168818.

NM_173076.3(ABCA12):c.3535G>T (p.Gly1179Ter)

Gene: ABCA12 (ATP binding cassette subfamily A member 12; minus strand). Cytogenetic location: 2q35.
Variant type: single nucleotide variant.
Coding change: c.3535G>T on transcript NM_173076.3 (MANE Select); coding-DNA position 3535, G replaced by T.
Protein change: p.Gly1179Ter; replaces glycine 1179 with a stop codon.
Molecular consequence: nonsense. On other transcripts: non-coding transcript variant (1).
Genome position (GRCh38, 1-based): chr2:214,990,791, C>A on the plus strand (G>T on the coding strand, the complement: ABCA12 is on the minus strand). VCF-style: chr2-214990791-C-A. GRCh37 (hg19) VCF-style: chr2-215855515-C-A.
Other names: c.2581G>T, p.Gly861Ter (NM_015657.4); short protein forms G861*, G1179*.
Identifiers: ClinVar variation 2971436 (VCV002971436.3), dbSNP rs267606622, ClinGen allele CA350468557.
Genomic context (GRCh38, chr2:214,990,791, plus strand): 5'-CATTCTCCACTGTAACCAGAACAATAAATGGAAAGAAGGCAATGATGTAGATGAGGCTTC[C>A]GATCAGAGCTGCAATGTTGGTGTTGTTGAAGAAGACACTGATAAGATAGCTCATGGCAAT-3'